The following is an entry in ClinVar:

NM_001330700.2(TOP2B):c.2586T>C (p.Tyr862=)

Gene: TOP2B (DNA topoisomerase II beta; minus strand). Cytogenetic location: 3p24.2.
Variant type: single nucleotide variant.
Coding change: c.2586T>C on transcript NM_001330700.2 (MANE Select); coding-DNA position 2586, T replaced by C.
Protein change: p.Tyr862=; no amino-acid change (tyrosine 862 retained).
Molecular consequence: synonymous variant.
Genome position (GRCh38, 1-based): chr3:25,623,656, A>G on the plus strand (T>C on the coding strand, the complement: TOP2B is on the minus strand). VCF-style: chr3-25623656-A-G. GRCh37 (hg19) VCF-style: chr3-25665147-A-G.
Other names: c.2571T>C, p.Tyr857= (NM_001068.3).
Identifiers: ClinVar variation 1654919 (VCV001654919.10), dbSNP rs76657458, ClinGen allele CA2288462.

ClinVar aggregate classification (germline): Benign/Likely benign. Review status: criteria provided, multiple submitters, no conflicts (2 of 4 stars). 3 submissions from 3 submitters: Benign (1); Likely benign (2). Last evaluated 2026-07-01.

Allele frequency attached by ClinVar (database versions not stated): ESP Exome Variant Server 0.00050; gnomAD 0.00066 and 0.00068; TOPMed 0.00067; 1000 Genomes Project 0.00120; 1000 Genomes Project 30x 0.00156; gnomAD exomes 0.00005 and 0.00019; ExAC 0.00017.
gnomAD v4.1: 179 of 1,613,702 alleles (0.011%); highest among the groups gnomAD compares: African/African-American, 0.22%; 1 homozygote.

Submissions (3):

CeGaT Center for Human Genetics Tuebingen
Classification: Likely benign. Last evaluated: 2026-07-01. Review status: criteria provided, single submitter. Criteria: CeGaT Center For Human Genetics Tuebingen Variant Classification Criteria Version 2. Collection method: clinical testing. Allele origin: germline. Affected: yes. Observed: 1 variant allele.
Comment: TOP2B: BP4, BS1

Labcorp Genetics (formerly Invitae), Labcorp
Classification: Benign. Last evaluated: 2025-11-03. Review status: criteria provided, single submitter. Criteria: Invitae Variant Classification Sherloc (09022015). Collection method: clinical testing. Allele origin: germline.

Blueprint Genetics
Classification: Likely benign. Last evaluated: 2024-08-06. Review status: criteria provided, single submitter. Criteria: ACMG Guidelines, 2015. Collection method: clinical testing. Allele origin: germline.